The following is an entry in ClinVar:

ClinVar aggregate classification (germline): Pathogenic (1 of 4 stars; one submission).

Submission:

GeneDx
Classification: Pathogenic. Last evaluated: 2016-11-10. Review status: criteria provided, single submitter. Criteria: GeneDx Variant Classification (06012015). Collection method: clinical testing. Allele origin: germline. Affected: yes.
Comment: The L247V variant in the SCN1A gene has not been reported previously as a pathogenic variant nor as a benign polymorphism, to our knowledge. The L247V variant was not observed in approximately 6500 individuals of European and African American ancestry in the NHLBI Exome Sequencing Project, indicating it is not a common benign variant in these populations. The L247V variant is a conservative amino acid substitution, which is not likely to impact secondary protein structure as these residues share similar properties. This substitution occurs at a position that is conserved across species. In silico analysis predicts this mutation is probably damaging to the protein structure/function. Missense mutations in nearby residues (L240P, S243Y, I252N) have been reported in association with SCN1A-related seizure disorders, supporting the functional importance of this region of the protein. We interpret L247V as a pathogenic variant. The presence of this mutation is consistent with a diagnosis of an SCN1A-related disorder. This variant has been observed de novo with confirmed parentage.

NM_001165963.4(SCN1A):c.739C>G (p.Leu247Val)

Gene: SCN1A (sodium voltage-gated channel alpha subunit 1; minus strand). Cytogenetic location: 2q24.3.
Variant type: single nucleotide variant.
Coding change: c.739C>G on transcript NM_001165963.4 (MANE Select); coding-DNA position 739, C replaced by G.
Protein change: p.Leu247Val; replaces leucine 247 with valine.
Molecular consequence: missense variant. On other transcripts: 5 prime UTR variant (1), non-coding transcript variant (1).
Genome position (GRCh38, 1-based): chr2:166,051,944, G>C on the plus strand (C>G on the coding strand, the complement: SCN1A is on the minus strand). VCF-style: chr2-166051944-G-C. GRCh37 (hg19) VCF-style: chr2-166908454-G-C.
Other names: p.L247V:CTC>GTC; c.739C>G, p.Leu247Val (NM_001165964.3, NM_001202435.3, NM_001353948.2 and 10 more transcripts); c.-1687C>G (NM_001353961.2); short protein forms L247V.
Identifiers: ClinVar variation 206931 (VCV000206931.2), dbSNP rs796053092, ClinGen allele CA317763.